The following is an entry in ClinVar:

NM_005359.6(SMAD4):c.130G>C (p.Val44Leu)

Gene: SMAD4 (SMAD family member 4; plus strand). Cytogenetic location: 18q21.2.
Variant type: single nucleotide variant.
Coding change: c.130G>C on transcript NM_005359.6 (MANE Select); coding-DNA position 130, G replaced by C.
Protein change: p.Val44Leu; replaces valine 44 with leucine.
Molecular consequence: missense variant. On other transcripts: non-coding transcript variant (2).
Genome position (GRCh38, 1-based): chr18:51,047,176, G>C. VCF-style: chr18-51047176-G-C. GRCh37 (hg19) VCF-style: chr18-48573546-G-C.
Other names: c.130G>C, p.Val44Leu (NM_001407041.1, NM_001407042.1, NM_001407043.1); short protein forms V44L.
Identifiers: ClinVar variation 3238395 (VCV003238395.1), dbSNP rs746732669.
Genomic context (GRCh38, chr18:51,047,176, plus strand): 5'-ATGTGCCATAGACAAGGTGGAGAGAGTGAAACATTTGCAAAAAGAGCAATTGAAAGTTTG[G>C]TAAAGAAGCTGAAGGAGAAAAAAGATGAATTGGATTCTTTAATAACAGCTATAACTACAA-3'
Protein context (NP_005350.1, residues 34-54): TFAKRAIESL[Val44Leu]KKLKEKKDEL

ClinVar aggregate classification (germline): Uncertain significance (1 of 4 stars; one submission).

Conditions:
Hereditary cancer-predisposing syndrome. Also called: Neoplastic Syndromes, Hereditary; Tumor predisposition; Hereditary neoplastic syndrome; Hereditary Cancer Syndrome. Identifiers: Orphanet 140162, MedGen C0027672, MeSH D009386, MONDO:0015356.
Familial thoracic aortic aneurysm and aortic dissection (TAAD). Also called: Thoracic aortic aneurysms and dissections. Identifiers: Orphanet 91387, MedGen C4707243, MONDO:0019625.

Submission:

Ambry Genetics
Classification: Uncertain significance for Hereditary cancer-predisposing syndrome; Familial thoracic aortic aneurysm and aortic dissection. Last evaluated: 2023-08-31. Review status: criteria provided, single submitter. Criteria: Ambry Variant Classification Scheme 2023. Collection method: clinical testing. Allele origin: germline.
Comment: The p.V44L variant (also known as c.130G>C), located in coding exon 1 of the SMAD4 gene, results from a G to C substitution at nucleotide position 130. The valine at codon 44 is replaced by leucine, an amino acid with highly similar properties. This amino acid position is highly conserved in available vertebrate species. In addition, the in silico prediction for this alteration is inconclusive. Since supporting evidence is limited at this time, the clinical significance of this alteration remains unclear.